The following is an entry in ClinVar:

ClinVar aggregate classification (germline): Pathogenic (1 of 4 stars; one submission).

Conditions:
Duchenne muscular dystrophy (DMD). Also called: Duchenne Muscular Dystrophy (DMD); MUSCULAR DYSTROPHY, PSEUDOHYPERTROPHIC PROGRESSIVE, DUCHENNE TYPE. Identifiers: Orphanet 98896, MedGen C0013264, MONDO:0010679, OMIM 310200.

Submission:

Labcorp Genetics (formerly Invitae), Labcorp
Classification: Pathogenic for Duchenne muscular dystrophy. Last evaluated: 2019-09-12. Review status: criteria provided, single submitter. Criteria: Invitae Variant Classification Sherloc (09022015). Collection method: clinical testing. Allele origin: germline.
Comment: For these reasons, this variant has been classified as Pathogenic. Loss-of-function variants in DMD are known to be pathogenic (PMID: 16770791, 25007885). This variant has not been reported in the literature in individuals with DMD-related conditions. This variant is not present in population databases (ExAC no frequency). This sequence change creates a premature translational stop signal (p.Leu2579*) in the DMD gene. It is expected to result in an absent or disrupted protein product.

Literature cited by the submitters: PubMed 16770791; PubMed 25007885.

NM_004006.3(DMD):c.7736T>A (p.Leu2579Ter)

Gene: DMD (dystrophin; minus strand). Cytogenetic location: Xp21.1.
Variant type: single nucleotide variant.
Coding change: c.7736T>A on transcript NM_004006.3 (MANE Select); coding-DNA position 7736, T replaced by A.
Protein change: p.Leu2579Ter; replaces leucine 2579 with a stop codon.
Molecular consequence: nonsense.
Genome position (GRCh38, 1-based): chrX:31,679,511, A>T on the plus strand (T>A on the coding strand, the complement: DMD is on the minus strand). VCF-style: chrX-31679511-A-T. GRCh37 (hg19) VCF-style: chrX-31697628-A-T.
Other names: c.7712T>A, p.Leu2571Ter (NM_000109.4); c.7724T>A, p.Leu2575Ter (NM_004009.3); c.7367T>A, p.Leu2456Ter (NM_004010.3); c.3713T>A, p.Leu1238Ter (NM_004011.4); c.3704T>A, p.Leu1235Ter (NM_004012.4); c.356T>A, p.Leu119Ter (NM_004013.3, NM_004020.4, NM_004021.3 and 2 more transcripts); short protein forms L2456*, L2571*, L1235*, L2575*, L119*, L1238*, L2579*.
Identifiers: ClinVar variation 935691 (VCV000935691.8), dbSNP rs2082260036, ClinGen allele CA412656848.
Genomic context (GRCh38, chrX:31,679,511, plus strand): 5'-GCCTGTCCTAAGACCTGCTCAGCTTCTTCCTTAGCTTCCAGCCATTGTGTTGAATCCTTT[A>T]ACATTTCATTCAACTGTTGCCTCCGGTTCTGAAGGTGTTCTTGTACTTCATCCCACTGAT-3'